The following is an entry in ClinVar:

ClinVar aggregate classification (germline): Uncertain significance (1 of 4 stars; one submission).

Conditions:
SLC34A1-related disorder. Also called: SLC34A1-related condition; SLC34A1-related disorders.

Submission:

PreventionGenetics, part of Exact Sciences
Classification: Uncertain significance for SLC34A1-related condition. Last evaluated: 2023-09-13. Review status: criteria provided, single submitter. Criteria: ACMG Guidelines, 2015. Collection method: clinical testing. Allele origin: germline.
Comment: The SLC34A1 c.1706T>G variant is predicted to result in the amino acid substitution p.Leu569Arg. To our knowledge, this variant has not been reported in the literature or in a large population database, indicating this variant is rare. At this time, the clinical significance of this variant is uncertain due to the absence of conclusive functional and genetic evidence.

NM_003052.5(SLC34A1):c.1706T>G (p.Leu569Arg)

Gene: SLC34A1 (solute carrier family 34 member 1; plus strand). Cytogenetic location: 5q35.3.
Variant type: single nucleotide variant.
Coding change: c.1706T>G on transcript NM_003052.5 (MANE Select); coding-DNA position 1706, T replaced by G.
Protein change: p.Leu569Arg; replaces leucine 569 with arginine.
Molecular consequence: missense variant.
Genome position (GRCh38, 1-based): chr5:177,398,072, T>G. VCF-style: chr5-177398072-T-G. GRCh37 (hg19) VCF-style: chr5-176825073-T-G.
Other names: short protein forms L569R.
Identifiers: ClinVar variation 2631139 (VCV002631139.1), dbSNP rs2481029190, ClinGen allele CA362317022.
Genomic context (GRCh38, chr5:177,398,072, plus strand): 5'-GGGCCCTGCTGGCCTTCGTGGTGCTCATCAATGTCCTGCAGAGTCGGAGTCCCGGGCACC[T>G]GCCCAAGTGGTTACAGACATGGGACTTCCTGCCTCGCTGGATGCACTCCCTGAAGCCCCT-3'
Protein context (NP_003043.3, residues 559-579): NVLQSRSPGH[Leu569Arg]PKWLQTWDFL